The following is an entry in ClinVar:

NM_000180.4(GUCY2D):c.2153C>G (p.Ala718Gly)

Gene: GUCY2D (guanylate cyclase 2D, retinal; plus strand). Cytogenetic location: 17p13.1.
Variant type: single nucleotide variant.
Coding change: c.2153C>G on transcript NM_000180.4 (MANE Select); coding-DNA position 2153, C replaced by G.
Protein change: p.Ala718Gly; replaces alanine 718 with glycine.
Molecular consequence: missense variant.
Genome position (GRCh38, 1-based): chr17:8,013,142, C>G. VCF-style: chr17-8013142-C-G. GRCh37 (hg19) VCF-style: chr17-7916460-C-G.
Other names: short protein forms A718G.
Identifiers: ClinVar variation 1478580 (VCV001478580.8), dbSNP rs2151802784, ClinGen allele CA397952819.

ClinVar aggregate classification (germline): Uncertain significance (1 of 4 stars; one submission).

Conditions:
Cone-rod dystrophy 6 (CORD6). Also called: RETINAL CONE DYSTROPHY 2; Cone dystrophy progressive. Identifiers: Orphanet 1872, MedGen C1866293, MONDO:0011143, OMIM 601777.
Leber congenital amaurosis 1 (LCA1). Also called: RETINAL BLINDNESS, CONGENITAL; Congenital absence of the rods and cones; Leber's congenital tapetoretinal degeneration; Leber's congenital tapetoretinal dysplasia; AMAUROSIS CONGENITA OF LEBER I. Identifiers: Orphanet 65, MedGen C2931258, MONDO:0008764, OMIM 204000.

Submission:

Labcorp Genetics (formerly Invitae), Labcorp
Classification: Uncertain significance for Leber congenital amaurosis 1; Cone-rod dystrophy 6. Last evaluated: 2022-10-13. Review status: criteria provided, single submitter. Criteria: Invitae Variant Classification Sherloc (09022015). Collection method: clinical testing. Allele origin: germline.
Comment: In summary, the available evidence is currently insufficient to determine the role of this variant in disease. Therefore, it has been classified as a Variant of Uncertain Significance. Advanced modeling of protein sequence and biophysical properties (such as structural, functional, and spatial information, amino acid conservation, physicochemical variation, residue mobility, and thermodynamic stability) performed at Invitae indicates that this missense variant is not expected to disrupt GUCY2D protein function. ClinVar contains an entry for this variant (Variation ID: 1478580). This variant has not been reported in the literature in individuals affected with GUCY2D-related conditions. This variant is not present in population databases (gnomAD no frequency). This sequence change replaces alanine, which is neutral and non-polar, with glycine, which is neutral and non-polar, at codon 718 of the GUCY2D protein (p.Ala718Gly).